The following is an entry in ClinVar:

ClinVar aggregate classification (germline): Conflicting classifications of pathogenicity. Review status: criteria provided, conflicting classifications (1 of 4 stars). 2 submissions from 2 submitters: Uncertain significance (1); Likely benign (1). Last evaluated 2023-05-23.

Conditions:
Inborn genetic diseases. Identifiers: MedGen C0950123, MeSH D030342.

Allele frequency attached by ClinVar (database versions not stated): gnomAD 0.00006; ExAC 0.00007; TOPMed 0.00008.
gnomAD v4.1: 77 of 1,614,106 alleles (0.0048%); highest among the groups gnomAD compares: African/African-American, 0.011%; no homozygotes.

Submissions (2):

Ambry Genetics
Classification: Likely benign for Inborn genetic diseases. Last evaluated: 2023-05-23. Review status: criteria provided, single submitter. Criteria: Ambry Variant Classification Scheme 2023. Collection method: clinical testing. Allele origin: germline.

Labcorp Genetics (formerly Invitae), Labcorp
Classification: Uncertain significance. Last evaluated: 2022-03-26. Review status: criteria provided, single submitter. Criteria: Invitae Variant Classification Sherloc (09022015). Collection method: clinical testing. Allele origin: germline.
Comment: This sequence change replaces arginine, which is basic and polar, with cysteine, which is neutral and slightly polar, at codon 473 of the HPS4 protein (p.Arg473Cys). This variant is present in population databases (rs759909785, gnomAD 0.01%). This variant has not been reported in the literature in individuals affected with HPS4-related conditions. Algorithms developed to predict the effect of missense changes on protein structure and function output the following: SIFT: "Tolerated"; PolyPhen-2: "Benign"; Align-GVGD: "Class C0". The cysteine amino acid residue is found in multiple mammalian species, which suggests that this missense change does not adversely affect protein function. In summary, the available evidence is currently insufficient to determine the role of this variant in disease. Therefore, it has been classified as a Variant of Uncertain Significance.

NM_022081.6(HPS4):c.1417C>T (p.Arg473Cys)

Gene: HPS4 (HPS4 biogenesis of lysosomal organelles complex 3 subunit 2; minus strand). Cytogenetic location: 22q12.1.
Variant type: single nucleotide variant.
Coding change: c.1417C>T on transcript NM_022081.6 (MANE Select); coding-DNA position 1417, C replaced by T.
Protein change: p.Arg473Cys; replaces arginine 473 with cysteine.
Molecular consequence: missense variant. On other transcripts: non-coding transcript variant (8).
Genome position (GRCh38, 1-based): chr22:26,464,213, G>A on the plus strand (C>T on the coding strand, the complement: HPS4 is on the minus strand). VCF-style: chr22-26464213-G-A. GRCh37 (hg19) VCF-style: chr22-26860179-G-A.
Other names: c.1402C>T, p.Arg468Cys (NM_152841.2); c.1417C>T (NM_022081.4); c.1417C>T, p.Arg473Cys (NM_001349896.1, NM_001349898.2, NM_001349899.2 and 5 more transcripts); c.1471C>T, p.Arg491Cys (NM_001349900.2, NM_001349901.1); short protein forms R473C, R491C, R468C.
Identifiers: ClinVar variation 2178438 (VCV002178438.3), dbSNP rs759909785, ClinGen allele CA10163327.